The following is an entry in ClinVar:

NM_145200.5(CABP4):c.622G>A (p.Val208Met)

Gene: CABP4 (calcium binding protein 4; plus strand). Cytogenetic location: 11q13.2.
Variant type: single nucleotide variant.
Coding change: c.622G>A on transcript NM_145200.5 (MANE Select); coding-DNA position 622, G replaced by A.
Protein change: p.Val208Met; replaces valine 208 with methionine.
Molecular consequence: missense variant. On other transcripts: non-coding transcript variant (1).
Genome position (GRCh38, 1-based): chr11:67,457,653, G>A. VCF-style: chr11-67457653-G-A. GRCh37 (hg19) VCF-style: chr11-67225124-G-A.
Other names: c.307G>A, p.Val103Met (NM_001300895.3, NM_001300896.3, NM_001379183.1); short protein forms V103M, V208M.
Identifiers: ClinVar variation 1041447 (VCV001041447.8), dbSNP rs890965729, ClinGen allele CA224144208.

ClinVar aggregate classification (germline): Uncertain significance (1 of 4 stars; one submission).

Allele frequency attached by ClinVar (database versions not stated): TOPMed below 0.00001.

Submission:

Labcorp Genetics (formerly Invitae), Labcorp
Classification: Uncertain significance. Last evaluated: 2023-12-11. Review status: criteria provided, single submitter. Criteria: Invitae Variant Classification Sherloc (09022015). Collection method: clinical testing. Allele origin: germline.
Comment: This sequence change replaces valine, which is neutral and non-polar, with methionine, which is neutral and non-polar, at codon 208 of the CABP4 protein (p.Val208Met). This variant is not present in population databases (gnomAD no frequency). This variant has not been reported in the literature in individuals affected with CABP4-related conditions. ClinVar contains an entry for this variant (Variation ID: 1041447). Advanced modeling of protein sequence and biophysical properties (such as structural, functional, and spatial information, amino acid conservation, physicochemical variation, residue mobility, and thermodynamic stability) performed at Invitae indicates that this missense variant is not expected to disrupt CABP4 protein function with a negative predictive value of 80%. In summary, the available evidence is currently insufficient to determine the role of this variant in disease. Therefore, it has been classified as a Variant of Uncertain Significance.